The following is an entry in ClinVar:

NM_001110556.2(FLNA):c.3768del (p.Gly1257fs)

Gene: FLNA (filamin A; minus strand). Cytogenetic location: Xq28.
Variant type: Deletion.
Coding change: c.3768del on transcript NM_001110556.2 (MANE Select); coding-DNA position 3768, one base deleted (C; older notation c.3768delC).
Protein change: p.Gly1257fs; shifts the reading frame from glycine 1257.
Molecular consequence: frameshift variant.
Genome position (GRCh38, 1-based): chrX:154,360,027, G deleted on the plus strand (C on the coding strand, the reverse complement: FLNA is on the minus strand); the first of 2 consecutive G bases (chrX:154,360,027-154,360,028); deleting either gives the same sequence. VCF-style (leftmost placement, unchanged base first): chrX-154360026-CG-C. GRCh37 (hg19) VCF-style: chrX-153588394-CG-C.
Other names: c.3768del, p.Gly1257fs (NM_001456.4); short protein forms G1257fs.
Identifiers: ClinVar variation 4785114 (VCV004785114.1).
Genomic context (GRCh38, chrX:154,360,026, plus strand): 5'-ATACCCCACGGCAGGGCAACTCACCCTGGCCCTCAATACCAGGCCCATAGCACTGGACAC[CG>C]GAAGTGTCCACCGCAGGTTCCACCTGCAGCTTGCTGGGGAAGTTGGGCACGGGCTGGCCG-3'

ClinVar aggregate classification (germline): Pathogenic (1 of 4 stars; one submission).

Conditions:
Heterotopia, periventricular, X-linked dominant (PVNH1). Also called: PERIVENTRICULAR NODULAR HETEROTOPIA 4; HETEROTOPIA, PERIVENTRICULAR, 1; PERIVENTRICULAR NODULAR HETEROTOPIA 1; X-linked periventricular heterotopia. Identifiers: Orphanet 2149, Orphanet 82004, MedGen C1848213, MONDO:0010233, OMIM 300049.
Oto-palato-digital syndrome, type II (OPD2). Also called: Otopalatodigital Syndrome, Type II; FACIOPALATOOSSEOUS SYNDROME; OPD II SYNDROME; Otopalatodigital Syndrome Type 2 (FLNA-OPD2). Identifiers: Orphanet 669, Orphanet 90652, MedGen C1844696, MONDO:0010571, OMIM 304120.
Melnick-Needles syndrome (MNS). Also called: MELNICK-NEEDLES OSTEODYSPLASTY; OSTEODYSPLASTY OF MELNICK AND NEEDLES; Melnick-Needles Syndrome (FLNA-MNS). Identifiers: Orphanet 2484, MedGen C0025237, MONDO:0010650, OMIM 309350.
Frontometaphyseal dysplasia (FMD1). Identifiers: Orphanet 1826, MedGen C0265293, MONDO:0015942.

Submission:

Labcorp Genetics (formerly Invitae), Labcorp
Classification: Pathogenic for Oto-palato-digital syndrome, type II; Heterotopia, periventricular, X-linked dominant; Frontometaphyseal dysplasia; Melnick-Needles syndrome. Last evaluated: 2025-05-26. Review status: criteria provided, single submitter. Criteria: Invitae Variant Classification Sherloc (09022015). Collection method: clinical testing. Allele origin: germline.
Comment: This sequence change creates a premature translational stop signal (p.Gly1257Valfs*29) in the FLNA gene. It is expected to result in an absent or disrupted protein product. Loss-of-function variants in FLNA are known to be pathogenic (PMID: 16684786, 20730588, 26471271). This variant is not present in population databases (gnomAD no frequency). This variant has not been reported in the literature in individuals affected with FLNA-related conditions. For these reasons, this variant has been classified as Pathogenic.

Literature cited by the submitters: PubMed 16684786; PubMed 20730588; PubMed 26471271.